The following is an entry in ClinVar:

NM_000533.5(PLP1):c.409C>G (p.Arg137Gly)

Genes: PLP1 (proteolipid protein 1; plus strand), RAB9B (RAB9B, member RAS oncogene family; minus strand). Cytogenetic location: Xq22.2.
Variant type: single nucleotide variant.
Coding change: c.409C>G on transcript NM_000533.5 (MANE Select); coding-DNA position 409, C replaced by G.
Protein change: p.Arg137Gly; replaces arginine 137 with glycine.
Molecular consequence: missense variant. On other transcripts: intron variant (1).
Genome position (GRCh38, 1-based): chrX:103,786,682, C>G. VCF-style: chrX-103786682-C-G. GRCh37 (hg19) VCF-style: chrX-103041611-C-G.
Other names: c.409C>G, p.Arg137Gly (NM_001128834.3); c.244C>G, p.Arg82Gly (NM_001305004.1); c.348+61C>G (NM_199478.3); short protein forms R82G, R137G.
Identifiers: ClinVar variation 2230585 (VCV002230585.6), dbSNP rs132630295, ClinGen allele CA414102877.

ClinVar aggregate classification (germline): Conflicting classifications of pathogenicity. Review status: criteria provided, conflicting classifications (1 of 4 stars). 4 submissions from 4 submitters: Pathogenic (1); Uncertain significance (3). Last evaluated 2025-08-04.

Conditions:
Pelizaeus-Merzbacher disease. Also called: LEUKODYSTROPHY, HYPOMYELINATING, 1; Pelizeaus-Merzbacher spectrum disorder; Pelizaeus-Merzbacher spectrum disorder; Pelizaeus-Merzbacher Disease (PMD); Sudanophilic leukodystrophy. Identifiers: Orphanet 702, MedGen C0205711, MONDO:0010714, OMIM 312080, HP:0003269.
Hereditary spastic paraplegia 2 (SPG2). Also called: SPASTIC PARAPLEGIA 2, X-LINKED; Spastic Paraplegia 2 (SPG2). Identifiers: Orphanet 99015, MedGen C0751604, MONDO:0010733, OMIM 312920.
Inborn genetic diseases. Identifiers: MedGen C0950123, MeSH D030342.

Submissions (4):

GeneDx
Classification: Uncertain significance. Last evaluated: 2025-08-04. Review status: criteria provided, single submitter. Criteria: GeneDx Variant Classification Process June 2021. Collection method: clinical testing. Allele origin: germline. Affected: yes.
Comment: Not observed at significant frequency in large population cohorts (gnomAD); Missense variants in this gene are a common cause of disease and they are underrepresented in the general population; In silico analysis suggests that this missense variant does not alter protein structure/function; This variant is associated with the following publications: (PMID: 16288477, 26125040, 17438221, 24139698)

Labcorp Genetics (formerly Invitae), Labcorp
Classification: Uncertain significance for Hereditary spastic paraplegia 2. Last evaluated: 2024-08-27. Review status: criteria provided, single submitter. Criteria: Invitae Variant Classification Sherloc (09022015). Collection method: clinical testing. Allele origin: germline.
Comment: This sequence change replaces arginine, which is basic and polar, with glycine, which is neutral and non-polar, at codon 137 of the PLP1 protein (p.Arg137Gly). This variant is not present in population databases (gnomAD no frequency). This missense change has been observed in individual(s) with PLP1-related conditions (PMID: 24139698; internal data). ClinVar contains an entry for this variant (Variation ID: 2230585). An algorithm developed to predict the effect of missense changes on protein structure and function (PolyPhen-2) suggests that this variant is likely to be tolerated. Experimental studies have shown that this missense change affects PLP1 function (PMID: 16288477). This variant disrupts the p.Arg137 amino acid residue in PLP1. Other variant(s) that disrupt this residue have been observed in individuals with PLP1-related conditions (PMID: 17438221), which suggests that this may be a clinically significant amino acid residue. In summary, the available evidence is currently insufficient to determine the role of this variant in disease. Therefore, it has been classified as a Variant of Uncertain Significance.

Ambry Genetics
Classification: Uncertain significance for Inborn genetic diseases. Last evaluated: 2021-04-30. Review status: criteria provided, single submitter. Criteria: Ambry Variant Classification Scheme 2023. Collection method: clinical testing. Allele origin: germline.
Comment: The c.409C>G (p.R137G) alteration is located in exon 3 (coding exon 3) of the PLP1 gene. This alteration results from a C to G substitution at nucleotide position 409, causing the arginine (R) at amino acid position 137 to be replaced by a glycine (G). The in silico prediction for the p.R137G alteration is inconclusive. Based on insufficient or conflicting evidence, the clinical significance of this alteration remains unclear.

Molecular Diagnostics Lab, Nemours Children's Health, Delaware
Classification: Pathogenic for Pelizaeus-Merzbacher disease. Last evaluated: 2020-03-11. Review status: criteria provided, single submitter. Criteria: ACMG Guidelines, 2015. Collection method: clinical testing. Allele origin: maternal, unknown. Inheritance: X-linked inheritance. Affected: yes and no. Observed: 1 heterozygote, 1 hemizygote.
Comment: This missense variant (c.409G>C, p.Arg137Gly) has not been observed in population databases (gnomAD). It has been described in the literature (PMID 24139698, PMID 16288477, PMID 26125040, PMID 20022439). This nucleotide resides in a region involved in splice site regulation (PMID 16288477), and variant prediction programs suggest a deleterious effect on the PLP1 protein.

Literature cited by the submitters: PubMed 24139698 (cited by Labcorp Genetics (formerly Invitae), Labcorp); PubMed 16288477 (cited by Labcorp Genetics (formerly Invitae), Labcorp and Molecular Diagnostics Lab, Nemours Children's Health, Delaware); PubMed 17438221 (cited by Labcorp Genetics (formerly Invitae), Labcorp and Molecular Diagnostics Lab, Nemours Children's Health, Delaware); PubMed 26125040 (cited by Molecular Diagnostics Lab, Nemours Children's Health, Delaware).